The following is an entry in ClinVar:

ClinVar aggregate classification (germline): Conflicting classifications of pathogenicity. Review status: criteria provided, conflicting classifications (1 of 4 stars). 3 submissions from 3 submitters: Uncertain significance (1); Likely benign (2). Last evaluated 2026-03-09.

Conditions:
RIPOR2-related disorder. Also called: RIPOR2-related condition.

Allele frequency attached by ClinVar (database versions not stated): gnomAD 0.00002 and 0.00007; TOPMed 0.00003; gnomAD exomes 0.00017 and 0.00038; ExAC 0.00076.
gnomAD v4.1: 241 of 1,551,898 alleles (0.016%); highest among the groups gnomAD compares: South Asian, 0.2%; 3 homozygotes.

Submissions (3):

PreventionGenetics, part of Exact Sciences
Classification: Likely benign for RIPOR2-related condition. Last evaluated: 2026-03-09. Review status: criteria provided, single submitter. Criteria: ACMG Guidelines, 2015. Collection method: clinical testing. Allele origin: germline.
Comment: This variant is classified as likely benign based on ACMG/AMP sequence variant interpretation guidelines (Richards et al. 2015 PMID: 25741868, with internal and published modifications).

CeGaT Center for Human Genetics Tuebingen
Classification: Likely benign. Last evaluated: 2026-02-01. Review status: criteria provided, single submitter. Criteria: CeGaT Center For Human Genetics Tuebingen Variant Classification Criteria Version 2. Collection method: clinical testing. Allele origin: germline. Affected: yes. Observed: 1 variant allele.
Comment: RIPOR2: BS2

Eurofins Ntd Llc (ga)
Classification: Uncertain significance. Last evaluated: 2017-08-17. Review status: criteria provided, single submitter. Criteria: EGL Classification Definitions 2015. Collection method: clinical testing. Allele origin: germline. Observed: 1 variant allele, 1 heterozygote.

NM_001286445.3(RIPOR2):c.3071A>G (p.Gln1024Arg)

Gene: RIPOR2 (RHO family interacting cell polarization regulator 2; minus strand). Cytogenetic location: 6p22.3.
Variant type: single nucleotide variant.
Coding change: c.3071A>G on transcript NM_001286445.3 (MANE Select); coding-DNA position 3071, A replaced by G.
Protein change: p.Gln1024Arg; replaces glutamine 1024 with arginine.
Molecular consequence: missense variant.
Genome position (GRCh38, 1-based): chr6:24,806,446, T>C on the plus strand (A>G on the coding strand, the complement: RIPOR2 is on the minus strand). VCF-style: chr6-24806446-T-C. GRCh37 (hg19) VCF-style: chr6-24806674-T-C.
Other names: c.2984A>G, p.Gln995Arg (NM_001346031.2, NM_001346032.2); c.3134A>G, p.Gln1045Arg (NM_014722.5); c.3134A>G (NM_014722.4); short protein forms Q1045R, Q995R, Q1024R.
Identifiers: ClinVar variation 593471 (VCV000593471.10), dbSNP rs201521593, ClinGen allele CA3659035.